The following is an entry in ClinVar:

NM_000548.5(TSC2):c.2834A>C (p.Lys945Thr)

Gene: TSC2 (TSC complex subunit 2; plus strand). Cytogenetic location: 16p13.3.
Variant type: single nucleotide variant.
Coding change: c.2834A>C on transcript NM_000548.5 (MANE Select); coding-DNA position 2834, A replaced by C.
Protein change: p.Lys945Thr; replaces lysine 945 with threonine.
Molecular consequence: missense variant.
Genome position (GRCh38, 1-based): chr16:2,076,582, A>C. VCF-style: chr16-2076582-A-C. GRCh37 (hg19) VCF-style: chr16-2126583-A-C.
Other names: c.2834A>C, p.Lys945Thr (NM_001077183.3, NM_001114382.3, NM_001363528.2 and 6 more transcripts); c.2723A>C, p.Lys908Thr (NM_001318827.2, NM_001406670.1, NM_001406678.1); c.2687A>C, p.Lys896Thr (NM_001318829.2, NM_001406675.1, NM_001406676.1 and 1 more transcripts); c.2234A>C, p.Lys745Thr (NM_001318831.2, NM_001406680.1, NM_001406682.1 and 6 more transcripts); c.2867A>C, p.Lys956Thr (NM_001318832.2); c.2924A>C, p.Lys975Thr (NM_001406667.1, NM_001406668.1); c.2822A>C, p.Lys941Thr (NM_001406671.1, NM_001406673.1); c.2777A>C, p.Lys926Thr (NM_001406677.1); and 3 more; short protein forms K896T, K926T, K497T, K745T, K941T, K945T, K908T, K975T.
Identifiers: ClinVar variation 1796620 (VCV001796620.2), dbSNP rs886051791, ClinGen allele CA394280251.

ClinVar aggregate classification (germline): Uncertain significance (1 of 4 stars; one submission).

Conditions:
Hereditary cancer-predisposing syndrome. Also called: Tumor predisposition; Hereditary Cancer Syndrome; Neoplastic Syndromes, Hereditary; Hereditary neoplastic syndrome. Identifiers: Orphanet 140162, MedGen C0027672, MeSH D009386, MONDO:0015356.

Submission:

Ambry Genetics
Classification: Uncertain significance for Hereditary cancer-predisposing syndrome. Last evaluated: 2022-04-07. Review status: criteria provided, single submitter. Criteria: Ambry Variant Classification Scheme 2023. Collection method: clinical testing. Allele origin: germline.
Comment: The p.K945T variant (also known as c.2834A>C), located in coding exon 24 of the TSC2 gene, results from an A to C substitution at nucleotide position 2834. The lysine at codon 945 is replaced by threonine, an amino acid with similar properties. This amino acid position is conserved. In addition, this alteration is predicted to be deleterious by in silico analysis. Since supporting evidence is limited at this time, the clinical significance of this alteration remains unclear.